The following is an entry in ClinVar:

ClinVar aggregate classification (germline): Conflicting classifications of pathogenicity. Review status: criteria provided, conflicting classifications (1 of 4 stars). 5 submissions from 3 submitters: Uncertain significance (2); Likely benign (3). Last evaluated 2026-05-11.

Conditions:
Atypical hemolytic-uremic syndrome with C3 anomaly. Also called: AHUS, SUSCEPTIBILITY TO, 5. Identifiers: Orphanet 2134, MedGen C2752037, MONDO:0013043, OMIM 612925.
Complement component 3 deficiency. Identifiers: Orphanet 280133, MedGen C3151071, MONDO:0013417, OMIM 613779.
C3-related disorder. Also called: C3-related condition.
Age related macular degeneration 9. Identifiers: MedGen C1969651, MONDO:0012659, OMIM 611378.

Allele frequency attached by ClinVar (database versions not stated): ExAC 0.00003; gnomAD exomes 0.00004; TOPMed 0.00004; gnomAD 0.00006.

Submissions (5):

PreventionGenetics, part of Exact Sciences
Classification: Likely benign for C3-related condition. Last evaluated: 2026-05-11. Review status: criteria provided, single submitter. Criteria: ACMG Guidelines, 2015. Collection method: clinical testing. Allele origin: germline.
Comment: This variant is classified as likely benign based on ACMG/AMP sequence variant interpretation guidelines (Richards et al. 2015 PMID: 25741868, with internal and published modifications).

Labcorp Genetics (formerly Invitae), Labcorp
Classification: Likely benign. Last evaluated: 2025-11-15. Review status: criteria provided, single submitter. Criteria: Invitae Variant Classification Sherloc (09022015). Collection method: clinical testing. Allele origin: germline.

Illumina Laboratory Services, Illumina
Classification: Likely benign for Atypical hemolytic-uremic syndrome with C3 anomaly. Last evaluated: 2018-01-13. Review status: criteria provided, single submitter. Criteria: ICSL Variant Classification Criteria 13 December 2019. Collection method: clinical testing. Allele origin: germline.
Comment: This variant was observed in the ICSL laboratory as part of a predisposition screen in an ostensibly healthy population. It had not been previously curated by ICSL or reported in the Human Gene Mutation Database (HGMD: prior to June 1st, 2018), and was therefore a candidate for classification through an automated scoring system. Utilizing variant allele frequency, disease prevalence and penetrance estimates, and inheritance mode, an automated score was calculated to assess if this variant is too frequent to cause the disease. Based on the score and internal cut-off values, a variant classified as likely benign is not then subjected to further curation. The score for this variant resulted in a classification of likely benign for this disease.

Illumina Laboratory Services, Illumina
Classification: Uncertain significance for Age related macular degeneration 9. Last evaluated: 2018-01-13. Review status: criteria provided, single submitter. Criteria: ICSL Variant Classification Criteria 13 December 2019. Collection method: clinical testing. Allele origin: germline.

Illumina Laboratory Services, Illumina
Classification: Uncertain significance for Complement component 3 deficiency. Last evaluated: 2018-01-13. Review status: criteria provided, single submitter. Criteria: ICSL Variant Classification Criteria 13 December 2019. Collection method: clinical testing. Allele origin: germline.

NM_000064.4(C3):c.1119+10G>A

Gene: C3 (complement C3; minus strand). Cytogenetic location: 19p13.3.
Variant type: single nucleotide variant.
Coding change: c.1119+10G>A on transcript NM_000064.4 (MANE Select); 10 bases into the intron after coding-DNA position 1119, G replaced by A.
Molecular consequence: intron variant.
Genome position (GRCh38, 1-based): chr19:6,712,498, C>T on the plus strand (G>A on the coding strand, the complement: C3 is on the minus strand). VCF-style: chr19-6712498-C-T. GRCh37 (hg19) VCF-style: chr19-6712509-C-T.
Identifiers: ClinVar variation 753058 (VCV000753058.12), dbSNP rs752328639, ClinGen allele CA9129560.